The following is an entry in ClinVar:

NM_001134831.2(AHI1):c.2906C>G (p.Thr969Ser)

Gene: AHI1 (Abelson helper integration site 1; minus strand). Cytogenetic location: 6q23.3.
Variant type: single nucleotide variant.
Coding change: c.2906C>G on transcript NM_001134831.2 (MANE Select); coding-DNA position 2906, C replaced by G.
Protein change: p.Thr969Ser; replaces threonine 969 with serine.
Molecular consequence: missense variant.
Genome position (GRCh38, 1-based): chr6:135,411,403, G>C on the plus strand (C>G on the coding strand, the complement: AHI1 is on the minus strand). VCF-style: chr6-135411403-G-C. GRCh37 (hg19) VCF-style: chr6-135732541-G-C.
Other names: c.2906C>G (NM_017651.4); c.2906C>G, p.Thr969Ser (NM_001134830.2, NM_001134832.2, NM_001350503.2 and 2 more transcripts); short protein forms T969S.
Identifiers: ClinVar variation 1004393 (VCV001004393.7), dbSNP rs760411761, ClinGen allele CA4012243.

ClinVar aggregate classification (germline): Uncertain significance. Review status: criteria provided, multiple submitters, no conflicts (2 of 4 stars). 2 submissions from 2 submitters: Uncertain significance (2). Last evaluated 2022-12-05.

Conditions:
Inborn genetic diseases. Identifiers: MedGen C0950123, MeSH D030342.
Joubert syndrome. Also called: Familial aplasia of the vermis; CEREBELLOPARENCHYMAL DISORDER IV; JOUBERT-BOLTSHAUSER SYNDROME. Identifiers: Orphanet 475, MedGen C5979921, MONDO:0018772.

Allele frequency attached by ClinVar (database versions not stated): ExAC 0.00001; gnomAD 0.00001; gnomAD exomes 0.00004 and below 0.00001.
gnomAD v4.1: 55 of 1,613,734 alleles (0.0034%); highest among the groups gnomAD compares: Non-Finnish European, 0.0047%; no homozygotes.

Submissions (2):

Ambry Genetics
Classification: Uncertain significance for Inborn genetic diseases. Last evaluated: 2022-12-05. Review status: criteria provided, single submitter. Criteria: Ambry Variant Classification Scheme 2023. Collection method: clinical testing. Allele origin: germline.

Labcorp Genetics (formerly Invitae), Labcorp
Classification: Uncertain significance for Joubert syndrome. Last evaluated: 2021-09-01. Review status: criteria provided, single submitter. Criteria: Invitae Variant Classification Sherloc (09022015). Collection method: clinical testing. Allele origin: germline.
Comment: This sequence change replaces threonine with serine at codon 969 of the AHI1 protein (p.Thr969Ser). The threonine residue is moderately conserved and there is a small physicochemical difference between threonine and serine. This variant is present in population databases (rs760411761, ExAC 0.001%). This variant has not been reported in the literature in individuals affected with AHI1-related conditions. Advanced modeling of protein sequence and biophysical properties (such as structural, functional, and spatial information, amino acid conservation, physicochemical variation, residue mobility, and thermodynamic stability) performed at Invitae indicates that this missense variant is not expected to disrupt AHI1 protein function. Algorithms developed to predict the effect of sequence changes on RNA splicing suggest that this variant may create or strengthen a splice site. In summary, the available evidence is currently insufficient to determine the role of this variant in disease. Therefore, it has been classified as a Variant of Uncertain Significance.